The following is an entry in ClinVar:

ClinVar aggregate classification (germline): Uncertain significance. Review status: criteria provided, multiple submitters, no conflicts (2 of 4 stars). 3 submissions from 3 submitters: Uncertain significance (3). Last evaluated 2025-12-09.

Conditions:
Hereditary cancer-predisposing syndrome. Also called: Hereditary neoplastic syndrome; Neoplastic Syndromes, Hereditary; Tumor predisposition; Hereditary Cancer Syndrome. Identifiers: Orphanet 140162, MedGen C0027672, MeSH D009386, MONDO:0015356.

Allele frequency attached by ClinVar (database versions not stated): gnomAD exomes below 0.00001; ExAC 0.00001.
gnomAD v4.1: 2 of 1,613,474 alleles (0.00012%); highest among the groups gnomAD compares: Non-Finnish European, 0.00017%; no homozygotes.

Submissions (3):

Ambry Genetics
Classification: Uncertain significance for Hereditary cancer-predisposing syndrome. Last evaluated: 2025-12-09. Review status: criteria provided, single submitter. Criteria: Ambry Variant Classification Scheme 2023. Collection method: clinical testing. Allele origin: germline.
Comment: The p.H30Q variant (also known as c.90C>G), located in coding exon 1 of the HOXB13 gene, results from a C to G substitution at nucleotide position 90. The histidine at codon 30 is replaced by glutamine, an amino acid with highly similar properties. This amino acid position is not well conserved in available vertebrate species. In addition, this alteration is predicted to be tolerated by in silico analysis. Based on the available evidence, the clinical significance of this variant remains unclear.

Labcorp Genetics (formerly Invitae), Labcorp
Classification: Uncertain significance. Last evaluated: 2025-07-30. Review status: criteria provided, single submitter. Criteria: Invitae Variant Classification Sherloc (09022015). Collection method: clinical testing. Allele origin: germline.
Comment: This sequence change replaces histidine, which is basic and polar, with glutamine, which is neutral and polar, at codon 30 of the HOXB13 protein (p.His30Gln). This variant is present in population databases (rs561048036, gnomAD 0.0009%). This variant has not been reported in the literature in individuals affected with HOXB13-related conditions. ClinVar contains an entry for this variant (Variation ID: 1006963). An algorithm developed to predict the effect of missense changes on protein structure and function (PolyPhen-2) suggests that this variant is likely to be tolerated. In summary, the available evidence is currently insufficient to determine the role of this variant in disease. Therefore, it has been classified as a Variant of Uncertain Significance.

GeneDx
Classification: Uncertain significance. Last evaluated: 2023-12-18. Review status: criteria provided, single submitter. Criteria: GeneDx Variant Classification Process June 2021. Collection method: clinical testing. Allele origin: germline. Affected: yes.
Comment: Not observed at significant frequency in large population cohorts (gnomAD); In silico analysis supports that this missense variant does not alter protein structure/function; Has not been previously published as pathogenic or benign to our knowledge; This variant is associated with the following publications: (PMID: 28272408)

NM_006361.6(HOXB13):c.90C>G (p.His30Gln)

Gene: HOXB13 (homeobox B13; minus strand). Cytogenetic location: 17q21.32.
Variant type: single nucleotide variant.
Coding change: c.90C>G on transcript NM_006361.6 (MANE Select); coding-DNA position 90, C replaced by G.
Protein change: p.His30Gln; replaces histidine 30 with glutamine.
Molecular consequence: missense variant.
Genome position (GRCh38, 1-based): chr17:48,728,504, G>C on the plus strand (C>G on the coding strand, the complement: HOXB13 is on the minus strand). VCF-style: chr17-48728504-G-C. GRCh37 (hg19) VCF-style: chr17-46805866-G-C.
Other names: c.90C>G (NM_006361.5); short protein forms H30Q.
Identifiers: ClinVar variation 1006963 (VCV001006963.11), dbSNP rs561048036, ClinGen allele CA8634066.
Genomic context (GRCh38, chr17:48,728,504, plus strand): 5'-GGGGGCATAGTTGACAGCAGGCATCAGCGTAGGCGCCGCTGGGTGGCTGGTCAGAGGGGA[G>C]TGGGCGACCAGATTCCGCCCCCCTCCCGCTCCCAGCAAGCCTTCGATATCCTTGGCTCCA-3'
Protein context (NP_006352.2, residues 20-40): GAGGGRNLVA[His30Gln]SPLTSHPAAP